The following is an entry in ClinVar:

NM_020184.4(CNNM4):c.731G>C (p.Cys244Ser)

Gene: CNNM4 (cyclin and CBS domain divalent metal cation transport mediator 4; plus strand). Cytogenetic location: 2q11.2.
Variant type: single nucleotide variant.
Coding change: c.731G>C on transcript NM_020184.4 (MANE Select); coding-DNA position 731, G replaced by C.
Protein change: p.Cys244Ser; replaces cysteine 244 with serine.
Molecular consequence: missense variant.
Genome position (GRCh38, 1-based): chr2:96,761,730, G>C. VCF-style: chr2-96761730-G-C. GRCh37 (hg19) VCF-style: chr2-97427467-G-C.
Other names: c.731G>C (NM_020184.3); short protein forms C244S.
Identifiers: ClinVar variation 1398179 (VCV001398179.7), dbSNP rs1300890772, ClinGen allele CA347714880.
Genomic context (GRCh38, chr2:96,761,730, plus strand): 5'-AGGAGAGGCGCTATGCCCGCAAGATTGAGCCCATCCGGCGCAAGGGCAACTACCTTCTCT[G>C]CTCGTTGCTCCTAGGGAACGTGCTGGTCAACACCTCCCTCACAATCCTTCTAGACAACCT-3'
Protein context (NP_064569.3, residues 234-254): PIRRKGNYLL[Cys244Ser]SLLLGNVLVN

ClinVar aggregate classification (germline): Uncertain significance. Review status: criteria provided, multiple submitters, no conflicts (2 of 4 stars). 2 submissions from 2 submitters: Uncertain significance (2). Last evaluated 2024-12-02.

Conditions:
Inborn genetic diseases. Identifiers: MedGen C0950123, MeSH D030342.

Allele frequency attached by ClinVar (database versions not stated): gnomAD exomes below 0.00001; TOPMed below 0.00001.
gnomAD v4.1: 1 of 1,609,800 alleles (0.000062%); highest among the groups gnomAD compares: Non-Finnish European, 0.000085%; no homozygotes.

Submissions (2):

Labcorp Genetics (formerly Invitae), Labcorp
Classification: Uncertain significance. Last evaluated: 2024-12-02. Review status: criteria provided, single submitter. Criteria: Invitae Variant Classification Sherloc (09022015). Collection method: clinical testing. Allele origin: germline.
Comment: This sequence change replaces cysteine, which is neutral and slightly polar, with serine, which is neutral and polar, at codon 244 of the CNNM4 protein (p.Cys244Ser). This variant is present in population databases (no rsID available, gnomAD 0.0009%). This variant has not been reported in the literature in individuals affected with CNNM4-related conditions. ClinVar contains an entry for this variant (Variation ID: 1398179). Invitae Evidence Modeling of protein sequence and biophysical properties (such as structural, functional, and spatial information, amino acid conservation, physicochemical variation, residue mobility, and thermodynamic stability) indicates that this missense variant is expected to disrupt CNNM4 protein function with a positive predictive value of 80%. In summary, the available evidence is currently insufficient to determine the role of this variant in disease. Therefore, it has been classified as a Variant of Uncertain Significance.

Ambry Genetics
Classification: Uncertain significance for Inborn genetic diseases. Last evaluated: 2022-12-15. Review status: criteria provided, single submitter. Criteria: Ambry Variant Classification Scheme 2023. Collection method: clinical testing. Allele origin: germline.